The following is an entry in ClinVar:

NM_005591.4(MRE11):c.1355G>C (p.Arg452Thr)

Gene: MRE11 (MRE11 double strand break repair nuclease; minus strand). Cytogenetic location: 11q21.
Variant type: single nucleotide variant.
Coding change: c.1355G>C on transcript NM_005591.4 (MANE Select); coding-DNA position 1355, G replaced by C.
Protein change: p.Arg452Thr; replaces arginine 452 with threonine.
Molecular consequence: missense variant.
Genome position (GRCh38, 1-based): chr11:94,459,553, C>G on the plus strand (G>C on the coding strand, the complement: MRE11 is on the minus strand). VCF-style: chr11-94459553-C-G. GRCh37 (hg19) VCF-style: chr11-94192719-C-G.
Other names: c.1355G>C, p.Arg452Thr (NM_001330347.2, NM_005590.4); short protein forms R452T.
Identifiers: ClinVar variation 1799758 (VCV001799758.2), dbSNP rs2496387522, ClinGen allele CA382372030.
Genomic context (GRCh38, chr11:94,459,553, plus strand): 5'-TCCTCAATGGCATCTTTCTCCTCCTTGTCCACAAATTCTTGTACTGCTTCACCCATCCCT[C>G]TTTCTGTTAGCAGTGAGAGCTGCACATTCTGTAAGATACAAATCACTGGATGCAGAAATA-3'
Protein context (NP_005582.1, residues 442-462): KNVQLSLLTE[Arg452Thr]GMGEAVQEFV

ClinVar aggregate classification (germline): Uncertain significance (1 of 4 stars; one submission).

Conditions:
Hereditary cancer-predisposing syndrome. Also called: Neoplastic Syndromes, Hereditary; Tumor predisposition; Hereditary Cancer Syndrome; Hereditary neoplastic syndrome. Identifiers: Orphanet 140162, MedGen C0027672, MeSH D009386, MONDO:0015356.

gnomAD v4.1: 1 of 1,614,066 alleles (0.000062%); no homozygotes.

Submission:

Ambry Genetics
Classification: Uncertain significance for Hereditary cancer-predisposing syndrome. Last evaluated: 2021-12-25. Review status: criteria provided, single submitter. Criteria: Ambry Variant Classification Scheme 2023. Collection method: clinical testing. Allele origin: germline.
Comment: The p.R452T variant (also known as c.1355G>C), located in coding exon 12 of the MRE11A gene, results from a G to C substitution at nucleotide position 1355. The arginine at codon 452 is replaced by threonine, an amino acid with similar properties. This amino acid position is conserved. In addition, the in silico prediction for this alteration is inconclusive. Since supporting evidence is limited at this time, the clinical significance of this alteration remains unclear.